The following is an entry in ClinVar:

NM_000744.7(CHRNA4):c.1682C>T (p.Ser561Leu)

Gene: CHRNA4 (cholinergic receptor nicotinic alpha 4 subunit; minus strand). Cytogenetic location: 20q13.33.
Variant type: single nucleotide variant.
Coding change: c.1682C>T on transcript NM_000744.7 (MANE Select); coding-DNA position 1682, C replaced by T.
Protein change: p.Ser561Leu; replaces serine 561 with leucine.
Molecular consequence: missense variant. On other transcripts: non-coding transcript variant (1).
Genome position (GRCh38, 1-based): chr20:63,349,729, G>A on the plus strand (C>T on the coding strand, the complement: CHRNA4 is on the minus strand). VCF-style: chr20-63349729-G-A. GRCh37 (hg19) VCF-style: chr20-61981081-G-A.
Other names: c.1154C>T, p.Ser385Leu (NM_001256573.2); short protein forms S561L, S385L.
Identifiers: ClinVar variation 422514 (VCV000422514.15), dbSNP rs199949135, ClinGen allele CA9957552.

ClinVar aggregate classification (germline): Conflicting classifications of pathogenicity. Review status: criteria provided, conflicting classifications (1 of 4 stars). 5 submissions from 5 submitters: Uncertain significance (3); Likely benign (2). Last evaluated 2025-10-15.

Conditions:
Familial sleep-related hypermotor epilepsy. Also called: Autosomal Dominant Sleep-Related Hypermotor (Hyperkinetic) Epilepsy. Identifiers: Orphanet 98784, MedGen C3696898, MONDO:0000030.
Inborn genetic diseases. Identifiers: MedGen C0950123, MeSH D030342.
Autosomal dominant nocturnal frontal lobe epilepsy 1. Also called: CHRNA4-Related Nocturnal Frontal Lobe Epilepsy, Autosomal Dominant; EPILEPSY, NOCTURNAL FRONTAL LOBE, TYPE 1. Identifiers: Orphanet 98784, MedGen C1838049, MONDO:0010899, OMIM 600513.

Allele frequency attached by ClinVar (database versions not stated): gnomAD 0.00005 and 0.00004; ESP Exome Variant Server 0.00008; ExAC 0.00008; 1000 Genomes Project 0.00020; TOPMed 0.00005; 1000 Genomes Project 30x 0.00016.
gnomAD v4.1: 259 of 1,612,806 alleles (0.016%); highest among the groups gnomAD compares: Non-Finnish European, 0.021%; no homozygotes.

Submissions (5):

Labcorp Genetics (formerly Invitae), Labcorp
Classification: Likely benign. Last evaluated: 2025-10-15. Review status: criteria provided, single submitter. Criteria: Invitae Variant Classification Sherloc (09022015). Collection method: clinical testing. Allele origin: germline.

Women's Health and Genetics/Laboratory Corporation of America, LabCorp
Classification: Uncertain significance. Last evaluated: 2025-06-27. Review status: criteria provided, single submitter. Criteria: LabCorp Variant Classification Summary - May 2015. Collection method: clinical testing. Allele origin: germline.
Comment: Variant summary: CHRNA4 c.1682C>T (p.Ser561Leu) results in a non-conservative amino acid change in the encoded protein sequence. Algorithms developed to predict the effect of missense changes on protein structure and function all suggest that this variant is likely to be disruptive. The variant allele was found at a frequency of 6.8e-05 in 248196 control chromosomes. This frequency is not significantly higher than estimated for a pathogenic variant in CHRNA4 causing Epilepsy, Nocturnal Frontal Lobe, Type 1, allowing no conclusion about variant significance. To our knowledge, no occurrence of c.1682C>T in individuals affected with Epilepsy, Nocturnal Frontal Lobe, Type 1 and no experimental evidence demonstrating its impact on protein function have been reported. ClinVar contains an entry for this variant (Variation ID: 422514). Based on the evidence outlined above, the variant was classified as uncertain significance.

Revvity Omics, Revvity
Classification: Uncertain significance for Autosomal dominant nocturnal frontal lobe epilepsy 1. Last evaluated: 2025-03-26. Review status: criteria provided, single submitter. Criteria: ACMG Guidelines, 2015. Collection method: clinical testing. Allele origin: germline.

Ambry Genetics
Classification: Likely benign for Inborn genetic diseases. Last evaluated: 2024-10-08. Review status: criteria provided, single submitter. Criteria: Ambry Variant Classification Scheme 2023. Collection method: clinical testing. Allele origin: germline.

GeneDx
Classification: Uncertain significance. Last evaluated: 2018-02-16. Review status: criteria provided, single submitter. Criteria: GeneDx Variant Classification (06012015). Collection method: clinical testing. Allele origin: germline. Affected: yes.
Comment: A variant of uncertain significance has been identified in the CHRNA4 gene. The S561L variant has not been published as a pathogenic variant, nor has it been reported as a benign variant to our knowledge. The S561L variant is observed in 3/23710 (0.01%) alleles from individuals of African background in large population cohorts (Lek et al., 2016). The S561L variant is a non-conservative amino acid substitution, which is likely to impact secondary protein structure as these residues differ in polarity, charge, size and/or other properties. In-silico analyses, including protein predictors and evolutionary conservation, support a deleterious effect. However, this amino acid substitution is not predicted to occur within the transmembrane region of the protein, where the vast majority of pathogenic missense variants have been identified in association with epilepsy (Steinlein et al., 2010). Therefore, based on the currently available information, it is unclear whether this variant is a pathogenic variant or a rare benign variant.